The following is an entry in ClinVar:

NM_001040167.2(LFNG):c.236G>T (p.Ser79Ile)

Gene: LFNG (LFNG O-fucosylpeptide 3-beta-N-acetylglucosaminyltransferase; plus strand). Cytogenetic location: 7p22.3.
Variant type: single nucleotide variant.
Coding change: c.236G>T on transcript NM_001040167.2 (MANE Select); coding-DNA position 236, G replaced by T.
Protein change: p.Ser79Ile; replaces serine 79 with isoleucine.
Molecular consequence: missense variant. On other transcripts: intron variant (2).
Genome position (GRCh38, 1-based): chr7:2,520,097, G>T. VCF-style: chr7-2520097-G-T. GRCh37 (hg19) VCF-style: chr7-2559731-G-T.
Other names: c.236G>T, p.Ser79Ile (NM_001040168.2); c.220-4598G>T (NM_001166355.2); c.45+1499G>T (NM_002304.3); short protein forms S79I.
Identifiers: ClinVar variation 3252458 (VCV003252458.2), dbSNP rs750194490.

ClinVar aggregate classification (germline): Uncertain significance. Review status: criteria provided, multiple submitters, no conflicts (2 of 4 stars). 2 submissions from 2 submitters: Uncertain significance (2). Last evaluated 2025-08-29.

Conditions:
Inborn genetic diseases. Identifiers: MedGen C0950123, MeSH D030342.

gnomAD v4.1: 6 of 1,339,228 alleles (0.00045%); highest among the groups gnomAD compares: South Asian, 0.0088%; no homozygotes.

Submissions (2):

Ambry Genetics
Classification: Uncertain significance for Inborn genetic diseases. Last evaluated: 2025-08-29. Review status: criteria provided, single submitter. Criteria: Ambry Variant Classification Scheme 2023. Collection method: clinical testing. Allele origin: germline.

GeneDx
Classification: Uncertain significance. Last evaluated: 2023-10-09. Review status: criteria provided, single submitter. Criteria: GeneDx Variant Classification Process June 2021. Collection method: clinical testing. Allele origin: germline. Affected: yes.
Comment: Not observed at significant frequency in large population cohorts (gnomAD); In silico analysis supports that this missense variant does not alter protein structure/function; Has not been previously published as pathogenic or benign to our knowledge